The following is an entry in ClinVar:

NM_002474.3(MYH11):c.890-4C>T

Gene: MYH11 (myosin heavy chain 11; minus strand). Cytogenetic location: 16p13.11.
Variant type: single nucleotide variant.
Coding change: c.890-4C>T on transcript NM_002474.3 (MANE Select); 4 bases into the intron before coding-DNA position 890, C replaced by T.
Molecular consequence: intron variant.
Genome position (GRCh38, 1-based): chr16:15,771,716, G>A on the plus strand (C>T on the coding strand, the complement: MYH11 is on the minus strand). VCF-style: chr16-15771716-G-A. GRCh37 (hg19) VCF-style: chr16-15865573-G-A.
Other names: c.890-4C>T (NM_022844.3); c.911-4C>T (NM_001040114.2, NM_001040113.2).
Identifiers: ClinVar variation 1765064 (VCV001765064.2), dbSNP rs2506505754, ClinGen allele CA2580090769.

ClinVar aggregate classification (germline): Uncertain significance (1 of 4 stars; one submission).

Conditions:
Familial thoracic aortic aneurysm and aortic dissection (TAAD). Also called: Thoracic aortic aneurysms and dissections. Identifiers: Orphanet 91387, MedGen C4707243, MONDO:0019625.

Submission:

Ambry Genetics
Classification: Uncertain significance for Familial thoracic aortic aneurysm and aortic dissection. Last evaluated: 2018-04-05. Review status: criteria provided, single submitter. Criteria: Ambry Variant Classification Scheme 2023. Collection method: clinical testing. Allele origin: germline.
Comment: The c.890-4C>T intronic variant results from a C to T substitution 4 nucleotides upstream from coding exon 8 in the MYH11 gene. This nucleotide position is not well conserved in available vertebrate species. Using the BDGP and ESEfinder splice site prediction tools, this alteration is not predicted to have any significant effect on this splice acceptor site; however, direct evidence is unavailable. Since supporting evidence is limited at this time, the clinical significance of this alteration remains unclear.